The following is an entry in ClinVar:

ClinVar aggregate classification (germline): Uncertain significance (1 of 4 stars; one submission).

Conditions:
Epileptic encephalopathy. Identifiers: MedGen C0543888, HP:0200134.

gnomAD v4.1: 10 of 1,599,978 alleles (0.00063%); highest among the groups gnomAD compares: South Asian, 0.0034%; no homozygotes.

Submission:

Labcorp Genetics (formerly Invitae), Labcorp
Classification: Uncertain significance for Epileptic encephalopathy. Last evaluated: 2024-03-13. Review status: criteria provided, single submitter. Criteria: Invitae Variant Classification Sherloc (09022015). Collection method: clinical testing. Allele origin: germline.
Comment: This sequence change falls in intron 6 of the FASN gene. It does not directly change the encoded amino acid sequence of the FASN protein. It affects a nucleotide within the consensus splice site. This variant is present in population databases (rs375439460, gnomAD 0.004%). This variant has not been reported in the literature in individuals affected with FASN-related conditions. Variants that disrupt the consensus splice site are a relatively common cause of aberrant splicing (PMID: 17576681, 9536098). Algorithms developed to predict the effect of sequence changes on RNA splicing suggest that this variant is not likely to affect RNA splicing. In summary, the available evidence is currently insufficient to determine the role of this variant in disease. Therefore, it has been classified as a Variant of Uncertain Significance.

Literature cited by the submitters: PubMed 17576681; PubMed 9536098.

NM_004104.5(FASN):c.778+3G>A

Gene: FASN (fatty acid synthase; minus strand). Cytogenetic location: 17q25.3.
Variant type: single nucleotide variant.
Coding change: c.778+3G>A on transcript NM_004104.5 (MANE Select); 3 bases into the intron after coding-DNA position 778, G replaced by A.
Molecular consequence: intron variant.
Genome position (GRCh38, 1-based): chr17:82,092,894, C>T on the plus strand (G>A on the coding strand, the complement: FASN is on the minus strand). VCF-style: chr17-82092894-C-T. GRCh37 (hg19) VCF-style: chr17-80050770-C-T.
Identifiers: ClinVar variation 3717460 (VCV003717460.2).